The following is an entry in ClinVar:

NM_025114.4(CEP290):c.215A>C (p.Glu72Ala)

Gene: CEP290 (centrosomal protein 290; minus strand). Cytogenetic location: 12q21.32.
Variant type: single nucleotide variant.
Coding change: c.215A>C on transcript NM_025114.4 (MANE Select); coding-DNA position 215, A replaced by C.
Protein change: p.Glu72Ala; replaces glutamic acid 72 with alanine.
Molecular consequence: missense variant.
Genome position (GRCh38, 1-based): chr12:88,139,530, T>G on the plus strand (A>C on the coding strand, the complement: CEP290 is on the minus strand). VCF-style: chr12-88139530-T-G. GRCh37 (hg19) VCF-style: chr12-88533307-T-G.
Other names: short protein forms E72A.
Identifiers: ClinVar variation 3358494 (VCV003358494.1).
Genomic context (GRCh38, chr12:88,139,530, plus strand): 5'-AATAAACTTTTTCCAAGGTGCTTACCAAATTTTGCTTGTTCTTCTCCAGCTTTTTCTACT[T>G]CTTCCAAAGCCAGCTCCACTTCTTGAGCTTTCATCTAAACATTAAAAAAAGGTTATTTCA-3'
Protein context (NP_079390.3, residues 62-82): KAQEVELALE[Glu72Ala]VEKAGEEQAK

ClinVar aggregate classification (germline): Uncertain significance (0 of 4 stars; one submission).

Conditions:
CEP290-related disorder. Also called: CEP290-related condition; CEP290-related disorders. Identifiers: MedGen CN239314.

gnomAD v4.1: 1 of 1,598,178 alleles (0.000063%); highest among the groups gnomAD compares: Non-Finnish European, 0.000085%; no homozygotes.

Submission:

PreventionGenetics, part of Exact Sciences
Classification: Uncertain significance for CEP290-related condition. Last evaluated: 2024-06-01. Review status: no assertion criteria provided. Collection method: clinical testing. Allele origin: germline.
Comment: The CEP290 c.215A>C variant is predicted to result in the amino acid substitution p.Glu72Ala. To our knowledge, this variant has not been reported in the literature or in a large population database, indicating this variant is rare. At this time, the clinical significance of this variant is uncertain due to the absence of conclusive functional and genetic evidence.